The following is an entry in ClinVar:

ClinVar aggregate classification (germline): Uncertain significance. Review status: criteria provided, multiple submitters, no conflicts (2 of 4 stars). 2 submissions from 2 submitters: Uncertain significance (2). Last evaluated 2025-07-22.

Conditions:
Inborn genetic diseases. Identifiers: MedGen C0950123, MeSH D030342.

Allele frequency attached by ClinVar (database versions not stated): gnomAD 0.00002; TOPMed 0.00002.
gnomAD v4.1: 14 of 1,614,086 alleles (0.00087%); highest among the groups gnomAD compares: Admixed American, 0.023%; no homozygotes.

Submissions (2):

Labcorp Genetics (formerly Invitae), Labcorp
Classification: Uncertain significance. Last evaluated: 2025-07-22. Review status: criteria provided, single submitter. Criteria: Invitae Variant Classification Sherloc (09022015). Collection method: clinical testing. Allele origin: germline.
Comment: This sequence change replaces proline, which is neutral and non-polar, with leucine, which is neutral and non-polar, at codon 464 of the CAPN5 protein (p.Pro464Leu). This variant is present in population databases (rs782339880, gnomAD 0.02%). This variant has not been reported in the literature in individuals affected with CAPN5-related conditions. ClinVar contains an entry for this variant (Variation ID: 1946465). Invitae Evidence Modeling of protein sequence and biophysical properties (such as structural, functional, and spatial information, amino acid conservation, physicochemical variation, residue mobility, and thermodynamic stability) indicates that this missense variant is not expected to disrupt CAPN5 protein function with a negative predictive value of 80%. In summary, the available evidence is currently insufficient to determine the role of this variant in disease. Therefore, it has been classified as a Variant of Uncertain Significance.

Ambry Genetics
Classification: Uncertain significance for Inborn genetic diseases. Last evaluated: 2024-07-05. Review status: criteria provided, single submitter. Criteria: Ambry Variant Classification Scheme 2023. Collection method: clinical testing. Allele origin: germline.

NM_004055.5(CAPN5):c.1391C>T (p.Pro464Leu)

Gene: CAPN5 (calpain 5; plus strand). Cytogenetic location: 11q13.5.
Variant type: single nucleotide variant.
Coding change: c.1391C>T on transcript NM_004055.5 (MANE Select); coding-DNA position 1391, C replaced by T.
Protein change: p.Pro464Leu; replaces proline 464 with leucine.
Molecular consequence: missense variant.
Genome position (GRCh38, 1-based): chr11:77,120,813, C>T. VCF-style: chr11-77120813-C-T. GRCh37 (hg19) VCF-style: chr11-76831859-C-T.
Other names: c.1391C>T (NM_004055.4); short protein forms P464L.
Identifiers: ClinVar variation 1946465 (VCV001946465.6), dbSNP rs782339880, ClinGen allele CA6196798.
Genomic context (GRCh38, chr11:77,120,813, plus strand): 5'-ACAAGGCCGCCAGCTCCATCTACATCAACTCACGCAGCGTCTTCCTGCGCACCGACCAGC[C>T]CGAGGGCCGCTATGTCATCATCCCCACAACCTTCGAGCCAGGCCACACTGGCGAGTTCCT-3'
Protein context (NP_004046.2, residues 454-474): SRSVFLRTDQ[Pro464Leu]EGRYVIIPTT